The following is an entry in ClinVar:

ClinVar aggregate classification (germline): Pathogenic/Likely pathogenic. Review status: criteria provided, multiple submitters, no conflicts (2 of 4 stars). 4 submissions from 4 submitters: Pathogenic (3); Likely pathogenic (1). Last evaluated 2025-02-17.

Conditions:
Stromme syndrome (STROMS). Also called: Strømme Syndrome; APPLE PEEL SYNDROME WITH MICROCEPHALY AND OCULAR ANOMALIES; Ciliary dyskinesia, primary, 31. Identifiers: Orphanet 444069, Orphanet 506307, MedGen C1855705, MONDO:0009477, OMIM 243605.

Allele frequency attached by ClinVar (database versions not stated): gnomAD 0.00004 and 0.00003; gnomAD exomes 0.00005 and 0.00036; TOPMed 0.00005; ExAC 0.00005; ESP Exome Variant Server 0.00008.
gnomAD v4.1: 514 of 1,610,718 alleles (0.032%); highest among the groups gnomAD compares: Non-Finnish European, 0.043%; no homozygotes.

Submissions (4):

Greenwood Genetic Center Diagnostic Laboratories, Greenwood Genetic Center
Classification: Pathogenic for Stromme syndrome. Last evaluated: 2025-02-17. Review status: criteria provided, single submitter. Criteria: ACMG Guidelines, 2015. Collection method: clinical testing. Allele origin: germline. Affected: yes.
Comment: PVS1, PM2, PM3

Revvity Omics, Revvity
Classification: Pathogenic for Stromme syndrome. Last evaluated: 2023-11-14. Review status: criteria provided, single submitter. Criteria: ACMG Guidelines, 2015. Collection method: clinical testing. Allele origin: germline.

GeneDx
Classification: Pathogenic. Last evaluated: 2022-11-21. Review status: criteria provided, single submitter. Criteria: GeneDx Variant Classification Process June 2021. Collection method: clinical testing. Allele origin: germline. Affected: yes.
Comment: Nonsense variant predicted to result in protein truncation or nonsense mediated decay in a gene for which loss-of-function is a known mechanism of disease; Not observed at a significant frequency in large population cohorts (gnomAD); This variant is associated with the following publications: (PMID: 35488810)

Neuberg Centre For Genomic Medicine, NCGM
Classification: Likely pathogenic for Stromme syndrome. Review status: criteria provided, single submitter. Criteria: ACMG Guidelines, 2015. Collection method: clinical testing. Allele origin: germline. Inheritance: Autosomal recessive inheritance. Affected: yes.

NM_016343.4(CENPF):c.7219C>T (p.Arg2407Ter)

Gene: CENPF (centromere protein F; plus strand). Cytogenetic location: 1q41.
Variant type: single nucleotide variant.
Coding change: c.7219C>T on transcript NM_016343.4 (MANE Select); coding-DNA position 7219, C replaced by T.
Protein change: p.Arg2407Ter; replaces arginine 2407 with a stop codon.
Molecular consequence: nonsense.
Genome position (GRCh38, 1-based): chr1:214,646,789, C>T. VCF-style: chr1-214646789-C-T. GRCh37 (hg19) VCF-style: chr1-214820132-C-T.
Other names: short protein forms R2407*.
Identifiers: ClinVar variation 280153 (VCV000280153.8), dbSNP rs376076886, ClinGen allele CA1391081.
Genomic context (GRCh38, chr1:214,646,789, plus strand): 5'-GTTGTTACTATAAGGTCAGAAAAAGAAAATCTGACAAATGAATTACAAAAAGAGCAAGAG[C>T]GAATATCTGAATTAGAAATAATAAATTCATCATTTGAAAATATTTTGCAAGAAAAAGAGC-3'